The following is an entry in ClinVar:

NM_000377.3(WAS):c.931+1G>C

Gene: WAS (WASP actin nucleation promoting factor; plus strand). Cytogenetic location: Xp11.23.
Variant type: single nucleotide variant.
Coding change: c.931+1G>C on transcript NM_000377.3 (MANE Select); the canonical splice donor site of the intron after coding-DNA position 931, G replaced by C.
Molecular consequence: splice donor variant.
Genome position (GRCh38, 1-based): chrX:48,688,454, G>C. VCF-style: chrX-48688454-G-C. GRCh37 (hg19) VCF-style: chrX-48546843-G-C.
Identifiers: ClinVar variation 3749653 (VCV003749653.2).

ClinVar aggregate classification (germline): Pathogenic (1 of 4 stars; one submission).

Conditions:
Wiskott-Aldrich syndrome (WAS). Also called: ALDRICH SYNDROME; IMMUNODEFICIENCY 2; WISKOTT-ALDRICH SYNDROME 1; Wiskott-aldrich syndrome, somatic. Identifiers: Orphanet 906, MedGen C0043194, MONDO:0010518, OMIM 301000.
Thrombocytopenia 1. Also called: X-linked thrombocytopenia with normal platelets; X-Linked Thrombocytopenia (XLT); THROMBOCYTOPENIA, X-LINKED, 1. Identifiers: Orphanet 268322, Orphanet 852, MedGen C1839163, MONDO:0010743, OMIM 313900.
X-linked severe congenital neutropenia (SCNX). Identifiers: Orphanet 86788, MedGen C1845987, MONDO:0010294, OMIM 300299.

Submission:

Labcorp Genetics (formerly Invitae), Labcorp
Classification: Pathogenic for Wiskott-Aldrich syndrome; X-linked severe congenital neutropenia; Thrombocytopenia 1. Last evaluated: 2024-05-22. Review status: criteria provided, single submitter. Criteria: Invitae Variant Classification Sherloc (09022015). Collection method: clinical testing. Allele origin: germline.
Comment: This sequence change affects a donor splice site in intron 9 of the WAS gene. It is expected to disrupt RNA splicing. Variants that disrupt the donor or acceptor splice site typically lead to a loss of protein function (PMID: 16199547), and loss-of-function variants in WAS are known to be pathogenic (PMID: 15284122). This variant is not present in population databases (gnomAD no frequency). Disruption of this splice site has been observed in individuals with Wiskott-Aldrich syndrome (PMID: 15284122, 32812413). Algorithms developed to predict the effect of sequence changes on RNA splicing suggest that this variant may disrupt the consensus splice site. For these reasons, this variant has been classified as Pathogenic.

Literature cited by the submitters: PubMed 16199547; PubMed 15284122; PubMed 32812413.